The following is an entry in ClinVar:

NM_022124.6(CDH23):c.6512G>T (p.Arg2171Leu)

Gene: CDH23 (cadherin related 23; plus strand). Cytogenetic location: 10q22.1.
Variant type: single nucleotide variant.
Coding change: c.6512G>T on transcript NM_022124.6 (MANE Select); coding-DNA position 6512, G replaced by T.
Protein change: p.Arg2171Leu; replaces arginine 2171 with leucine.
Molecular consequence: missense variant.
Genome position (GRCh38, 1-based): chr10:71,793,440, G>T. VCF-style: chr10-71793440-G-T. GRCh37 (hg19) VCF-style: chr10-73553197-G-T.
Other names: short protein forms R2171L.
Identifiers: ClinVar variation 1966929 (VCV001966929.2), dbSNP rs531513127, ClinGen allele CA5546098.

ClinVar aggregate classification (germline): Uncertain significance (1 of 4 stars; one submission).

gnomAD v4.1: 2 of 1,613,936 alleles (0.00012%); highest among the groups gnomAD compares: South Asian, 0.0011%; no homozygotes.

Submission:

Labcorp Genetics (formerly Invitae), Labcorp
Classification: Uncertain significance. Last evaluated: 2021-12-23. Review status: criteria provided, single submitter. Criteria: Invitae Variant Classification Sherloc (09022015). Collection method: clinical testing. Allele origin: germline.
Comment: This sequence change replaces arginine, which is basic and polar, with leucine, which is neutral and non-polar, at codon 2171 of the CDH23 protein (p.Arg2171Leu). This variant is present in population databases (rs531513127, gnomAD 0.0009%). This variant has not been reported in the literature in individuals affected with CDH23-related conditions. Algorithms developed to predict the effect of missense changes on protein structure and function are either unavailable or do not agree on the potential impact of this missense change (SIFT: "Tolerated"; PolyPhen-2: "Not Available"; Align-GVGD: "Class C0"). In summary, the available evidence is currently insufficient to determine the role of this variant in disease. Therefore, it has been classified as a Variant of Uncertain Significance.